The following is an entry in ClinVar:

NM_001114753.3(ENG):c.991+2T>C

Gene: ENG (endoglin; minus strand). Cytogenetic location: 9q34.11.
Variant type: single nucleotide variant.
Coding change: c.991+2T>C on transcript NM_001114753.3 (MANE Select); the canonical splice donor site of the intron after coding-DNA position 991, T replaced by C.
Molecular consequence: splice donor variant.
Genome position (GRCh38, 1-based): chr9:127,824,798, A>G on the plus strand (T>C on the coding strand, the complement: ENG is on the minus strand). VCF-style: chr9-127824798-A-G. GRCh37 (hg19) VCF-style: chr9-130587077-A-G.
Other names: c.991+2T>C (NM_000118.4, NM_001406715.1, NM_001114753.2); c.445+2T>C (NM_001278138.2).
Identifiers: ClinVar variation 575140 (VCV000575140.17), dbSNP rs1564455554, ClinGen allele CA374981837.

ClinVar aggregate classification (germline): Pathogenic. Review status: criteria provided, multiple submitters, no conflicts (2 of 4 stars). 4 submissions from 4 submitters: Pathogenic (4). Last evaluated 2025-07-21.

Conditions:
Telangiectasia, hereditary hemorrhagic, type 1 (HHT1). Also called: Osler Weber Rendu syndrome type 1; ENG-Related Hereditary Hemorrhagic Telangiectasia. Identifiers: Orphanet 774, MedGen C4551861, MONDO:0008535, OMIM 187300. Disease mechanism: loss of function.
Hereditary hemorrhagic telangiectasia (HHT). Also called: Osler hemorrhagic telangiectasia syndrome; ORW DISEASE; Osler Weber Rendu syndrome; OSLER-RENDU-WEBER DISEASE. Identifiers: Orphanet 774, MedGen C0039445, MONDO:0019180. Disease mechanism: loss of function.

Submissions (4):

ARUP Laboratories, Molecular Genetics and Genomics, ARUP Laboratories
Classification: Pathogenic for Telangiectasia, hereditary hemorrhagic, type 1. Last evaluated: 2025-07-21. Review status: criteria provided, single submitter. Criteria: ARUP Molecular Germline Variant Investigation Process 2024. Collection method: clinical testing. Allele origin: germline.
Comment: The ENG c.991+2T>C variant (rs1564455554), to our knowledge, is not reported in the medical literature but is reported in ClinVar (Variation ID: 575140). This variant is absent from the Genome Aggregation Database (v2.1.1), indicating it is not a common polymorphism. This variant disrupts the canonical splice donor site of intron 7, which is likely to negatively impact gene function. Additionally, another variant at this nucleotide (c.991+2T>G) has been reported in an individual with HHT and is considered disease-causing (Bossler 2006). Based on available information, the c.991+2T>C variant is considered to be pathogenic. References: Bossler AD et al. Novel mutations in ENG and ACVRL1 identified in a series of 200 individuals undergoing clinical genetic testing for hereditary hemorrhagic telangiectasia (HHT): correlation of genotype with phenotype. Hum Mutat. 2006 Jul;27(7):667-75. PMID: 16752392.

Labcorp Genetics (formerly Invitae), Labcorp
Classification: Pathogenic for Hereditary hemorrhagic telangiectasia. Last evaluated: 2024-09-18. Review status: criteria provided, single submitter. Criteria: Invitae Variant Classification Sherloc (09022015). Collection method: clinical testing. Allele origin: germline.
Comment: This sequence change affects a donor splice site in intron 7 of the ENG gene. It is expected to disrupt RNA splicing. Variants that disrupt the donor or acceptor splice site typically lead to a loss of protein function (PMID: 16199547), and loss-of-function variants in ENG are known to be pathogenic (PMID: 15879500). This variant is not present in population databases (gnomAD no frequency). Disruption of this splice site has been observed in individuals with hereditary hemorrhagic telangiectasia (PMID: 16752392; internal data). ClinVar contains an entry for this variant (Variation ID: 575140). Algorithms developed to predict the effect of sequence changes on RNA splicing suggest that this variant may disrupt the consensus splice site. For these reasons, this variant has been classified as Pathogenic.

GeneDx
Classification: Pathogenic. Last evaluated: 2024-07-03. Review status: criteria provided, single submitter. Criteria: GeneDx Variant Classification Process June 2021. Collection method: clinical testing. Allele origin: germline. Affected: yes.
Comment: Has not been previously published as pathogenic or benign to our knowledge; Not observed at significant frequency in large population cohorts (gnomAD); Canonical splice site variant predicted to result in a null allele in a gene for which loss-of-function is a known mechanism of disease

Mayo Clinic Laboratories, Mayo Clinic
Classification: Pathogenic. Last evaluated: 2021-09-07. Review status: criteria provided, single submitter. Criteria: ACMG Guidelines, 2015. Collection method: clinical testing. Allele origin: germline.
Comment: PP4, PM2, PVS1

Literature cited by the submitters: PubMed 16199547 (cited by Labcorp Genetics (formerly Invitae), Labcorp); PubMed 15879500 (cited by Labcorp Genetics (formerly Invitae), Labcorp); PubMed 16752392 (cited by Labcorp Genetics (formerly Invitae), Labcorp).